The following is an entry in ClinVar:

NM_000136.3(FANCC):c.640dup (p.Ile214fs)

Genes: AOPEP (aminopeptidase O (putative); plus strand), FANCC (FA complementation group C; minus strand). Cytogenetic location: 9q22.32.
Variant type: Duplication.
Coding change: c.640dup on transcript NM_000136.3 (MANE Select); coding-DNA position 640, one base duplicated (A; older notation c.640dupA).
Protein change: p.Ile214fs; shifts the reading frame from isoleucine 214.
Molecular consequence: frameshift variant.
Genome position (GRCh38, 1-based): chr9:95,149,969, T duplicated on the plus strand (A on the coding strand, the reverse complement: FANCC is on the minus strand); the first of 3 consecutive T bases (chr9:95,149,969-95,149,971); duplicating any one gives the same sequence. VCF-style (leftmost placement, unchanged base first): chr9-95149968-A-AT. GRCh37 (hg19) VCF-style: chr9-97912250-A-AT.
Other names: c.640dup, p.Ile214fs (NM_001243743.2, NM_001243744.2); short protein forms I214fs.
Identifiers: ClinVar variation 371351 (VCV000371351.6), dbSNP rs1057517203, ClinGen allele CA16041346.

ClinVar aggregate classification (germline): Pathogenic. Review status: criteria provided, single submitter (1 of 4 stars). 2 submissions from 2 submitters: Pathogenic (1). 1 of the submissions does not count toward it. Last evaluated 2022-12-07.

Conditions:
Fanconi anemia (FA). Also called: Fanconi's anemia. Identifiers: Orphanet 84, MedGen C0015625, MeSH D005199, MONDO:0019391.
Fanconi anemia complementation group C (FANCC). Also called: Fanconi anemia, group C; FANCONI PANCYTOPENIA, TYPE 3; FACC; FANCC-Related Fanconi Anemia. Identifiers: Orphanet 84, MedGen C3468041, MONDO:0009213, OMIM 227645.

Submissions (2):

Labcorp Genetics (formerly Invitae), Labcorp
Classification: Pathogenic for Fanconi anemia. Last evaluated: 2022-12-07. Review status: criteria provided, single submitter. Criteria: Invitae Variant Classification Sherloc (09022015). Collection method: clinical testing. Allele origin: germline.
Comment: For these reasons, this variant has been classified as Pathogenic. ClinVar contains an entry for this variant (Variation ID: 371351). This variant has not been reported in the literature in individuals affected with FANCC-related conditions. This variant is not present in population databases (gnomAD no frequency). This sequence change creates a premature translational stop signal (p.Ile214Asnfs*8) in the FANCC gene. It is expected to result in an absent or disrupted protein product. Loss-of-function variants in FANCC are known to be pathogenic (PMID: 17924555).

Counsyl
Classification: Likely pathogenic for Fanconi anemia complementation group C. Last evaluated: 2016-09-01. Review status: no assertion criteria provided. Collection method: clinical testing. Allele origin: unknown. Not counted in ClinVar's aggregate classification.

Literature cited by the submitters: PubMed 17924555 (cited by Labcorp Genetics (formerly Invitae), Labcorp).